The following is an entry in ClinVar:

NM_000071.3(CBS):c.836G>T (p.Gly279Val)

Gene: CBS (cystathionine beta-synthase; minus strand). Cytogenetic location: 21q22.3.
Variant type: single nucleotide variant.
Coding change: c.836G>T on transcript NM_000071.3 (MANE Select); coding-DNA position 836, G replaced by T.
Protein change: p.Gly279Val; replaces glycine 279 with valine.
Molecular consequence: missense variant.
Genome position (GRCh38, 1-based): chr21:43,063,071, C>A on the plus strand (G>T on the coding strand, the complement: CBS is on the minus strand). VCF-style: chr21-43063071-C-A. GRCh37 (hg19) VCF-style: chr21-44483181-C-A.
Other names: c.836G>T, p.Gly279Val (NM_001178008.3, NM_001178009.3, NM_001320298.2); c.521G>T, p.Gly174Val (NM_001321072.1); short protein forms G174V, G279V.
Identifiers: ClinVar variation 3773811 (VCV003773811.1).
Genomic context (GRCh38, chr21:43,063,071, plus strand): 5'-GTCTGCTCCGTCTGGTTCAGCTCCTCCGGCTCTGCGAGGATGGACCCTTCGGGATCCACC[C>A]CAATGATCTGCAGAGGGCGCGGCTTCAGGGCTCAAGGCCAGCAAAAGCCCCGCCTGGACA-3'
Protein context (NP_000062.1, residues 269-289): KEKCPGCRII[Gly279Val]VDPEGSILAE

ClinVar aggregate classification (germline): Likely pathogenic (1 of 4 stars; one submission).

Conditions:
Classic homocystinuria. Also called: Homocystinuria due to Cystathionine Beta-Synthase Deficiency; HOMOCYSTINURIA WITH OR WITHOUT RESPONSE TO PYRIDOXINE; Homocystinuria due to CBS deficiency; Cystathionine beta-synthase deficiency; CBS deficiency. Identifiers: Orphanet 394, MedGen C0751202, MONDO:0009352, OMIM 236200.

Submission:

Servicio de Genética Del Instituto Nacional de Salud Del Niño, Ministerio de Salud
Classification: Likely pathogenic for Classic homocystinuria. Last evaluated: 2024-11-18. Review status: criteria provided, single submitter. Criteria: ACMG Guidelines, 2015. Collection method: clinical testing. Allele origin: germline. Inheritance: Autosomal recessive inheritance. Affected: yes.
Comment: These variants may affect enzyme function, potentially leading to altered homocysteine metabolism. Based on ACMG/AMP guidelines, these variants should be evaluated for criteria such as PM3 (for compound heterozygosity), PP3 (in silico predictions), and any functional studies supporting pathogenicity. Further clinical correlation and segregation analysis are recommended to clarify their significance.